The following is an entry in ClinVar:

NM_002528.7(NTHL1):c.748T>A (p.Ser250Thr)

Gene: NTHL1 (nth like DNA glycosylase 1; minus strand). Cytogenetic location: 16p13.3.
Variant type: single nucleotide variant.
Coding change: c.748T>A on transcript NM_002528.7 (MANE Select); coding-DNA position 748, T replaced by A.
Protein change: p.Ser250Thr; replaces serine 250 with threonine.
Molecular consequence: missense variant.
Genome position (GRCh38, 1-based): chr16:2,040,176, A>T on the plus strand (T>A on the coding strand, the complement: NTHL1 is on the minus strand). VCF-style: chr16-2040176-A-T. GRCh37 (hg19) VCF-style: chr16-2090177-A-T.
Other names: c.748T>A, p.Ser250Thr (LRG_1366t1); c.577T>A, p.Ser193Thr (NM_001318193.2); c.418T>A, p.Ser140Thr (NM_001318194.2); short protein forms S250T, S140T, S193T.
Identifiers: ClinVar variation 656262 (VCV000656262.23), dbSNP rs199698117, ClinGen allele CA7828128.

ClinVar aggregate classification (germline): Conflicting classifications of pathogenicity. Review status: criteria provided, conflicting classifications (1 of 4 stars). 6 submissions from 6 submitters: Uncertain significance (5); Likely benign (1). Last evaluated 2026-08-03.

Conditions:
NTHL1-related disorder. Also called: NTHL1-related condition; NTHL1-related conditions.
Hereditary cancer-predisposing syndrome. Also called: Tumor predisposition; Hereditary neoplastic syndrome; Hereditary Cancer Syndrome; Neoplastic Syndromes, Hereditary. Identifiers: Orphanet 140162, MedGen C0027672, MeSH D009386, MONDO:0015356.

Allele frequency attached by ClinVar (database versions not stated): TOPMed 0.00007; ESP Exome Variant Server 0.00008.
gnomAD v4.1: 104 of 1,613,736 alleles (0.0064%); highest among the groups gnomAD compares: Non-Finnish European, 0.0086%; no homozygotes.

Submissions (6):

PreventionGenetics, part of Exact Sciences
Classification: Uncertain significance for NTHL1-related condition. Last evaluated: 2026-08-03. Review status: criteria provided, single submitter. Criteria: ACMG Guidelines, 2015. Collection method: clinical testing. Allele origin: germline.
Comment: The NTHL1 c.772T>A variant is predicted to result in the amino acid substitution p.Ser258Thr. This variant is reported in three breast cancer patients and one healthy control (Supplemental Table 2. Li et al. 2021. PubMed ID: 33980861). This variant is reported in 0.016% of alleles in individuals of European (Non-Finnish) descent in gnomAD and has interpretations of likely benign and uncertain significance in ClinVar (Variation ID: 656262). At this time, the clinical significance of this variant is uncertain due to the absence of conclusive functional and genetic evidence.

Labcorp Genetics (formerly Invitae), Labcorp
Classification: Uncertain significance. Last evaluated: 2026-01-18. Review status: criteria provided, single submitter. Criteria: Invitae Variant Classification Sherloc (09022015). Collection method: clinical testing. Allele origin: germline.
Comment: This sequence change replaces serine, which is neutral and polar, with threonine, which is neutral and polar, at codon 258 of the NTHL1 protein (p.Ser258Thr). This variant is present in population databases (rs199698117, gnomAD 0.02%). This missense change has been observed in individual(s) with breast cancer (PMID: 33980861). ClinVar contains an entry for this variant (Variation ID: 656262). An algorithm developed to predict the effect of missense changes on protein structure and function outputs the following: PolyPhen-2: "Benign". The threonine amino acid residue is found in multiple mammalian species, which suggests that this missense change does not adversely affect protein function. In summary, the available evidence is currently insufficient to determine the role of this variant in disease. Therefore, it has been classified as a Variant of Uncertain Significance.

GeneDx
Classification: Uncertain significance. Last evaluated: 2025-05-14. Review status: criteria provided, single submitter. Criteria: GeneDx Variant Classification Process June 2021. Collection method: clinical testing. Allele origin: germline. Affected: yes.
Comment: In silico analysis suggests that this missense variant does not alter protein structure/function; Identified among 3/27421 cases and 1/19759 controls in a breast cancer case-control study (PMID: 33980861); This variant is associated with the following publications: (PMID: 33980861)

Quest Diagnostics Nichols Institute San Juan Capistrano
Classification: Uncertain significance. Last evaluated: 2025-01-27. Review status: criteria provided, single submitter. Criteria: Quest Diagnostics criteria. Collection method: clinical testing. Allele origin: unknown.
Comment: The NTHL1 c.772T>A (p.Ser258Thr) variant has been identified in individuals with breast cancer as well as in reportedly healthy individuals in a case-control study (PMID: 33980861 (2021)). The frequency of this variant in the general population (Genome Aggregation Database) is uninformative in the assessment of its pathogenicity. Analysis of this variant using bioinformatics tools for the prediction of the effect of amino acid changes on protein structure and function yielded predictions that this variant is benign. Based on the available information, we are unable to determine the clinical significance of this variant.

Ambry Genetics
Classification: Likely benign for Hereditary cancer-predisposing syndrome. Last evaluated: 2024-09-17. Review status: criteria provided, single submitter. Criteria: Ambry Variant Classification Scheme 2023. Collection method: clinical testing. Allele origin: germline.

Sema4
Classification: Uncertain significance for Hereditary cancer-predisposing syndrome. Last evaluated: 2022-02-03. Review status: criteria provided, single submitter. Criteria: Sema4 Curation Guidelines. Collection method: curation. Allele origin: germline.
Comment: The NTHL1 c.772T>A (p.S258T) variant has been reported in heterozygosity in at least 5 individuals with breast cancer and 2 controls in a case-control analysis (PMID: 33980861). It was observed in 21/129010 chromosomes of the Non-Finnish European subpopulation, with no homozygotes, in the large and broad cohorts of the Genome Aggregation Database (PMID: 32461654). The variant has been reported in ClinVar (Variation ID 656262). Functional studies have not been performed, and in silico predictions of the variant's effect on protein function are inconclusive. The evidence is insufficient to meet ACMG/AMP criteria for classifying the variant as benign or pathogenic. Thus, the clinical significance of this variant is currently uncertain.

Literature cited by the submitters: PubMed 33980861 (cited by 4 submitters).